The following is an entry in ClinVar:

NM_001130987.2(DYSF):c.4590C>A (p.Cys1530Ter)

Gene: DYSF (dysferlin; plus strand). Cytogenetic location: 2p13.2.
Variant type: single nucleotide variant.
Coding change: c.4590C>A on transcript NM_001130987.2 (MANE Select); coding-DNA position 4590, C replaced by A.
Protein change: p.Cys1530Ter; replaces cysteine 1530 with a stop codon.
Molecular consequence: nonsense.
Genome position (GRCh38, 1-based): chr2:71,644,027, C>A. VCF-style: chr2-71644027-C-A. GRCh37 (hg19) VCF-style: chr2-71871157-C-A.
Other names: c.4476C>A, p.Cys1492Ter (NM_001130455.2); c.4431C>A, p.Cys1477Ter (NM_001130976.2); c.4494C>A, p.Cys1498Ter (NM_001130977.2); c.4536C>A, p.Cys1512Ter (NM_001130978.2); c.4566C>A, p.Cys1522Ter (NM_001130979.2); c.4524C>A, p.Cys1508Ter (NM_001130980.2); c.4587C>A, p.Cys1529Ter (NM_001130981.2); c.4569C>A, p.Cys1523Ter (NM_001130982.2); and 5 more; short protein forms C1491*, C1530*, C1477*, C1512*, C1523*, C1478*, C1498*, C1499*.
Identifiers: ClinVar variation 471307 (VCV000471307.8), dbSNP rs778185705, ClinGen allele CA347217983.

ClinVar aggregate classification (germline): Pathogenic (1 of 4 stars; one submission).

Conditions:
Neuromuscular disease caused by qualitative or quantitative defects of dysferlin. Also called: Dysferlinopathy; Qualitative or quantitative defects of dysferlin. Identifiers: Orphanet 207073, MedGen C2931687, MONDO:0016145.

Submission:

Labcorp Genetics (formerly Invitae), Labcorp
Classification: Pathogenic for Neuromuscular disease caused by qualitative or quantitative defects of dysferlin. Last evaluated: 2023-06-23. Review status: criteria provided, single submitter. Criteria: Invitae Variant Classification Sherloc (09022015). Collection method: clinical testing. Allele origin: germline.
Comment: This sequence change creates a premature translational stop signal (p.Cys1491*) in the DYSF gene. It is expected to result in an absent or disrupted protein product. Loss-of-function variants in DYSF are known to be pathogenic (PMID: 17698709, 20301480). This variant is not present in population databases (gnomAD no frequency). This variant has not been reported in the literature in individuals affected with DYSF-related conditions. ClinVar contains an entry for this variant (Variation ID: 471307). For these reasons, this variant has been classified as Pathogenic.

Literature cited by the submitters: PubMed 17698709; PubMed 20301480.